The following is an entry in ClinVar:

NM_014956.5(CEP164):c.2627A>G (p.Gln876Arg)

Gene: CEP164 (centrosomal protein 164; plus strand). Cytogenetic location: 11q23.3.
Variant type: single nucleotide variant.
Coding change: c.2627A>G on transcript NM_014956.5 (MANE Select); coding-DNA position 2627, A replaced by G.
Protein change: p.Gln876Arg; replaces glutamine 876 with arginine.
Molecular consequence: missense variant.
Genome position (GRCh38, 1-based): chr11:117,394,360, A>G. VCF-style: chr11-117394360-A-G. GRCh37 (hg19) VCF-style: chr11-117265076-A-G.
Other names: c.2627A>G (NM_014956.4); c.2636A>G, p.Gln879Arg (NM_001271933.2); short protein forms Q879R, Q876R.
Identifiers: ClinVar variation 1035241 (VCV001035241.9), dbSNP rs752659513, ClinGen allele CA6295170.

ClinVar aggregate classification (germline): Uncertain significance. Review status: criteria provided, multiple submitters, no conflicts (2 of 4 stars). 5 submissions from 5 submitters: Uncertain significance (5). Last evaluated 2026-05-30.

Conditions:
CEP164-related disorder. Also called: CEP164-related condition.
Inborn genetic diseases. Identifiers: MedGen C0950123, MeSH D030342.
Nephronophthisis 15 (NPHP15). Identifiers: Orphanet 3156, MedGen C3541853, MONDO:0013917, OMIM 614845.

Allele frequency attached by ClinVar (database versions not stated): gnomAD below 0.00001 and 0.00002; TOPMed 0.00002; gnomAD exomes 0.00005 and 0.00009; ExAC 0.00012.
gnomAD v4.1: 71 of 1,600,960 alleles (0.0044%); highest among the groups gnomAD compares: South Asian, 0.07%; no homozygotes.

Submissions (5):

PreventionGenetics, part of Exact Sciences
Classification: Uncertain significance for CEP164-related condition. Last evaluated: 2026-05-30. Review status: criteria provided, single submitter. Criteria: ACMG Guidelines, 2015. Collection method: clinical testing. Allele origin: germline.
Comment: The CEP164 c.2627A>G variant is predicted to result in the amino acid substitution p.Gln876Arg. This variant has been reported in a cohort of individuals with primary congenital glaucoma (PCG) at a higher frequency than controls (Pyatla et al. 2024. PubMed ID: 39337513). This variant is reported in 0.071% of alleles in individuals of South Asian descent in gnomAD, which may be too common to be a primary cause of disease. Although we suspect that this variant may be benign, at this time, the clinical significance of this variant is uncertain due to the absence of conclusive functional and genetic evidence.

Blueprint Genetics
Classification: Uncertain significance. Last evaluated: 2024-08-30. Review status: criteria provided, single submitter. Criteria: ACMG Guidelines, 2015. Collection method: clinical testing. Allele origin: germline.

Fulgent Genetics
Classification: Uncertain significance for Nephronophthisis 15. Last evaluated: 2024-03-19. Review status: criteria provided, single submitter. Criteria: ACMG Guidelines, 2015. Collection method: clinical testing. Allele origin: germline.

Ambry Genetics
Classification: Uncertain significance for Inborn genetic diseases. Last evaluated: 2023-11-14. Review status: criteria provided, single submitter. Criteria: Ambry Variant Classification Scheme 2023. Collection method: clinical testing. Allele origin: germline.

Labcorp Genetics (formerly Invitae), Labcorp
Classification: Uncertain significance for Nephronophthisis 15. Last evaluated: 2022-07-12. Review status: criteria provided, single submitter. Criteria: Invitae Variant Classification Sherloc (09022015). Collection method: clinical testing. Allele origin: germline.
Comment: This sequence change replaces glutamine, which is neutral and polar, with arginine, which is basic and polar, at codon 876 of the CEP164 protein (p.Gln876Arg). This variant is present in population databases (rs752659513, gnomAD 0.07%). This variant has not been reported in the literature in individuals affected with CEP164-related conditions. ClinVar contains an entry for this variant (Variation ID: 1035241). Algorithms developed to predict the effect of missense changes on protein structure and function are either unavailable or do not agree on the potential impact of this missense change (SIFT: "Deleterious"; PolyPhen-2: "Probably Damaging"; Align-GVGD: "Class C0"). In summary, the available evidence is currently insufficient to determine the role of this variant in disease. Therefore, it has been classified as a Variant of Uncertain Significance.